The following is an entry in ClinVar:

ClinVar aggregate classification (germline): Likely pathogenic (1 of 4 stars; one submission).

Conditions:
Autosomal recessive CEP290-related disorders.

Submission:

Variantyx, Inc.
Classification: Likely pathogenic for Autosomal recessive CEP290-related disorders. Last evaluated: 2025-11-12. Review status: criteria provided, single submitter. Criteria: Variantyx Assertion Criteria 2022. Collection method: clinical testing. Allele origin: germline. Inheritance: Autosomal recessive inheritance.
Comment: This is a frameshift variant in the CEP290 gene (OMIM: 610142). Pathogenic variants in this gene have been associated with autosomal recessive CEP290-related disorders. The alteration introduces a premature termination codon in exon 34 out of 54 and is expected to result in loss of function, which is a known disease mechanism for CEP290 in these disorders (PMID: 20690115) (PVS1). This variant is absent from control populations (PM2).¬†This variant has not been reported in individuals with CEP290-related disorders in the databases available for review. Based on the current evidence, this variant is classified as likely pathogenic for autosomal recessive CEP290-related disorders.

Literature cited by the submitters: PubMed 20690115.

NM_025114.4(CEP290):c.4305del (p.Phe1435fs)

Gene: CEP290 (centrosomal protein 290; minus strand). Cytogenetic location: 12q21.32.
Variant type: Deletion.
Coding change: c.4305del on transcript NM_025114.4 (MANE Select); coding-DNA position 4305, one base deleted (T; older notation c.4305delT).
Protein change: p.Phe1435fs; shifts the reading frame from phenylalanine 1435.
Molecular consequence: frameshift variant.
Genome position (GRCh38, 1-based): chr12:88,086,171, A deleted on the plus strand (T on the coding strand, the reverse complement: CEP290 is on the minus strand); the first of 3 consecutive A bases (chr12:88,086,171-88,086,173); deleting any one gives the same sequence. VCF-style (leftmost placement, unchanged base first): chr12-88086170-CA-C. GRCh37 (hg19) VCF-style: chr12-88479947-CA-C.
Other names: short protein forms F1435fs.
Identifiers: ClinVar variation 4850192 (VCV004850192.1).